The following is an entry in ClinVar:

NM_015166.4(MLC1):c.190_207delinsA (p.Val64fs)

Genes: MLC1 (modulator of VRAC current 1; minus strand), LOC125446261 (Sharpr-MPRA regulatory region 9327; plus strand). Cytogenetic location: 22q13.33.
Variant type: Indel.
Coding change: c.190_207delinsA on transcript NM_015166.4 (MANE Select); coding-DNA positions 190 to 207, GTGACCTCGGGGTTTTCG replaced by A.
Protein change: p.Val64fs; shifts the reading frame from valine 64.
Molecular consequence: frameshift variant. On other transcripts: 5 prime UTR variant (1), non-coding transcript variant (3), intron variant (1).
Genome position (GRCh38, 1-based): chr22:50,083,144-50,083,161, CGAAAACCCCGAGGTCAC replaced by T on the plus strand (GTGACCTCGGGGTTTTCG replaced by A on the coding strand, the reverse complement: MLC1 is on the minus strand). VCF-style: chr22-50083144-CGAAAACCCCGAGGTCAC-T. GRCh37 (hg19) VCF-style: chr22-50521573-CGAAAACCCCGAGGTCAC-T.
Other names: c.190_207delinsA, p.Val64fs (NM_001376472.1, NM_001376473.1, NM_001376474.1 and 9 more transcripts); c.-48_-31delinsA (NM_001376484.1); c.177+1565_177+1582delinsA (NM_001376480.1); short protein forms V64fs.
Identifiers: ClinVar variation 5016144 (VCV005016144.1).

ClinVar aggregate classification (germline): Pathogenic (1 of 4 stars; one submission).

Conditions:
Megalencephalic leukoencephalopathy with subcortical cysts 1 (MLC1). Also called: LEUKOENCEPHALOPATHY WITH SWELLING AND CYSTS; VACUOLATING MEGALENCEPHALIC LEUKOENCEPHALOPATHY WITH SUBCORTICAL CYSTS. Identifiers: Orphanet 2478, MedGen C5779875, MONDO:0024555, OMIM 604004.

Submission:

Myriad Genetics, Inc.
Classification: Pathogenic for Megalencephalic leukoencephalopathy with subcortical cysts 1. Last evaluated: 2026-07-18. Review status: criteria provided, single submitter. Criteria: Myriad Autosomal Dominant, Autosomal Recessive and X-Linked Classification Criteria (2023). Collection method: clinical testing. Allele origin: unknown.
Comment: NM_015166.3(MLC1):c.190_207del18ins1(V64Tfs*10) is expected to be pathogenic in the context of megalencephalic leukoencephalopathy with subcortical cysts. This variant is predicted to lead to an abnormal or absent protein product due to the creation of a premature termination codon in MLC1, a gene where loss-of-function variants are known to be pathogenic. Please note: this variant was assessed in the context of healthy population screening.